The following is an entry in ClinVar:

NM_001171.6(ABCC6):c.2256T>C (p.Asn752=)

Gene: ABCC6 (ATP binding cassette subfamily C member 6; minus strand). Cytogenetic location: 16p13.11.
Variant type: single nucleotide variant.
Coding change: c.2256T>C on transcript NM_001171.6 (MANE Select); coding-DNA position 2256, T replaced by C.
Protein change: p.Asn752=; no amino-acid change (asparagine 752 retained).
Molecular consequence: synonymous variant. On other transcripts: non-coding transcript variant (1).
Genome position (GRCh38, 1-based): chr16:16,178,957, A>G on the plus strand (T>C on the coding strand, the complement: ABCC6 is on the minus strand). VCF-style: chr16-16178957-A-G. GRCh37 (hg19) VCF-style: chr16-16272814-A-G.
Other names: c.1914T>C, p.Asn638= (NM_001351800.1).
Identifiers: ClinVar variation 3048807 (VCV003048807.2), dbSNP rs1318540117, ClinGen allele CA493799990.

ClinVar aggregate classification (germline): Likely benign (0 of 4 stars; one submission).

Conditions:
ABCC6-related disorder. Also called: ABCC6-related condition.

Allele frequency attached by ClinVar (database versions not stated): gnomAD exomes below 0.00001; TOPMed below 0.00001; gnomAD 0.00001.
gnomAD v4.1: 2 of 1,612,494 alleles (0.00012%); highest among the groups gnomAD compares: Non-Finnish European, 0.00017%; no homozygotes.

Submission:

PreventionGenetics, part of Exact Sciences
Classification: Likely benign for ABCC6-related condition. Last evaluated: 2023-06-09. Review status: no assertion criteria provided. Collection method: clinical testing. Allele origin: germline.
Comment: This variant is classified as likely benign based on ACMG/AMP sequence variant interpretation guidelines (Richards et al. 2015 PMID: 25741868, with internal and published modifications).